The following is an entry in ClinVar:

NM_021975.4(RELA):c.1420_1428del (p.Phe474_Gln476del)

Gene: RELA (RELA proto-oncogene, NF-kB subunit; minus strand). Cytogenetic location: 11q13.1.
Variant type: Deletion.
Coding change: c.1420_1428del on transcript NM_021975.4 (MANE Select); coding-DNA positions 1420 to 1428, 9 bases deleted (TTTCAGCAG; older notation c.1420_1428delTTTCAGCAG).
Protein change: p.Phe474_Gln476del.
Molecular consequence: inframe deletion. On other transcripts: intron variant (1).
Genome position (GRCh38, 1-based): chr11:65,654,606-65,654,614, CTGCTGAAA deleted on the plus strand (TTTCAGCAG on the coding strand, the reverse complement: RELA is on the minus strand); deleting any 9 consecutive bases within chr11:65,654,606-65,654,616 gives the same sequence; the c. name uses the placement nearest the transcript's 3' end. VCF-style (leftmost placement, unchanged base first): chr11-65654605-GCTGCTGAAA-G. GRCh37 (hg19) VCF-style: chr11-65422076-GCTGCTGAAA-G.
Other names: c.1411_1419del, p.Phe471_Gln473del (NM_001145138.2); c.1213_1221del, p.Phe405_Gln407del (NM_001243984.2); c.1453_1461del, p.Phe485_Gln487del (NM_001404657.1); c.1393_1401del, p.Phe465_Gln467del (NM_001404658.1); c.1207_1215del, p.Phe403_Gln405del (NM_001404659.1); c.1102_1110del, p.Phe368_Gln370del (NM_001404660.1); c.1039_1047del, p.Phe347_Gln349del (NM_001404661.1); c.1327_1335del, p.Phe443_Gln445del (NM_001404662.1, NM_001404663.1); and 1 more.
Identifiers: ClinVar variation 2763868 (VCV002763868.3), dbSNP rs2496824725, ClinGen allele CA2697548674.

ClinVar aggregate classification (germline): Uncertain significance (1 of 4 stars; one submission).

Submission:

Labcorp Genetics (formerly Invitae), Labcorp
Classification: Uncertain significance. Last evaluated: 2023-06-03. Review status: criteria provided, single submitter. Criteria: Invitae Variant Classification Sherloc (09022015). Collection method: clinical testing. Allele origin: germline.
Comment: This variant has not been reported in the literature in individuals affected with RELA-related conditions. This variant is not present in population databases (gnomAD no frequency). This variant, c.1420_1428del, results in the deletion of 3 amino acid(s) of the RELA protein (p.Phe474_Gln476del), but otherwise preserves the integrity of the reading frame. Experimental studies and prediction algorithms are not available or were not evaluated, and the functional significance of this variant is currently unknown. In summary, the available evidence is currently insufficient to determine the role of this variant in disease. Therefore, it has been classified as a Variant of Uncertain Significance.